The following is an entry in ClinVar:

NM_152594.3(SPRED1):c.307T>G (p.Phe103Val)

Gene: SPRED1 (sprouty related EVH1 domain containing 1; plus strand). Cytogenetic location: 15q14.
Variant type: single nucleotide variant.
Coding change: c.307T>G on transcript NM_152594.3 (MANE Select); coding-DNA position 307, T replaced by G.
Protein change: p.Phe103Val; replaces phenylalanine 103 with valine.
Molecular consequence: missense variant.
Genome position (GRCh38, 1-based): chr15:38,322,340, T>G. VCF-style: chr15-38322340-T-G. GRCh37 (hg19) VCF-style: chr15-38614541-T-G.
Other names: short protein forms F103V.
Identifiers: ClinVar variation 5030143 (VCV005030143.1).

ClinVar aggregate classification (germline): Uncertain significance (1 of 4 stars; one submission).

Conditions:
Cardiovascular phenotype. Identifiers: MedGen CN230736.

Submission:

Ambry Genetics
Classification: Uncertain significance for Cardiovascular phenotype. Last evaluated: 2026-09-14. Review status: criteria provided, single submitter. Criteria: Ambry Variant Classification Scheme 2023. Collection method: clinical testing. Allele origin: germline.
Comment: The p.F103V variant (also known as c.307T>G), located in coding exon 3 of the SPRED1 gene, results from a T to G substitution at nucleotide position 307. The phenylalanine at codon 103 is replaced by valine, an amino acid with highly similar properties. This amino acid position is conserved. In addition, this alteration is predicted to be deleterious by in silico analysis. Based on the available evidence, the clinical significance of this variant remains unclear.